The following is an entry in ClinVar:

NM_174936.4(PCSK9):c.657+1G>T

Gene: PCSK9 (proprotein convertase subtilisin/kexin type 9; plus strand). Cytogenetic location: 1p32.3.
Variant type: single nucleotide variant.
Coding change: c.657+1G>T on transcript NM_174936.4 (MANE Select); the canonical splice donor site of the intron after coding-DNA position 657, G replaced by T.
Molecular consequence: splice donor variant.
Genome position (GRCh38, 1-based): chr1:55,052,412, G>T. VCF-style: chr1-55052412-G-T. GRCh37 (hg19) VCF-style: chr1-55518085-G-T.
Other names: c.282+1G>T (NM_001407246.1); c.780+1G>T (NM_001407240.1); c.657+1G>T (NM_001407242.1, NM_001407241.1, NM_001407244.1 and 1 more transcripts); c.600+1G>T (NM_001407243.1); c.465+1G>T (NM_001407245.1).
Identifiers: ClinVar variation 926976 (VCV000926976.6), dbSNP rs142824171, ClinGen allele CA043647.

ClinVar aggregate classification (germline): Uncertain significance. Review status: criteria provided, multiple submitters, no conflicts (2 of 4 stars). 2 submissions from 2 submitters: Uncertain significance (2). Last evaluated 2024-03-20.

Conditions:
Familial hypercholesterolemia. Also called: Familial hypercholesterolaemia; Familial hypercholesterolemias. Identifiers: MedGen C0020445, MONDO:0005439.
Hypercholesterolemia, autosomal dominant, 3 (FHCL3). Also called: PCSK9-Related Familial Hypercholesterolemia, Autosomal Dominant; Familial hypercholesterolemia 3; Familial Hypercholesterolemia, Autosomal Dominant, 3. Identifiers: MedGen C1863551, MONDO:0011369, OMIM 603776.

Allele frequency attached by ClinVar (database versions not stated): ExAC 0.00002; TOPMed 0.00002; gnomAD 0.00003 and 0.00004; gnomAD exomes 0.00004 and 0.00010; ESP Exome Variant Server 0.00015.
gnomAD v4.1: 152 of 1,613,652 alleles (0.0094%); highest among the groups gnomAD compares: Non-Finnish European, 0.012%; no homozygotes.

Submissions (2):

Color Diagnostics, LLC DBA Color Health
Classification: Uncertain significance for Familial hypercholesterolemia. Last evaluated: 2024-03-20. Review status: criteria provided, single submitter. Criteria: ACMG Guidelines, 2015. Collection method: clinical testing. Allele origin: germline.
Comment: This variant causes a G>T nucleotide substitution at the +1 position of intron 4 of the PCSK9 gene. Splice site prediction tools predict that this variant may have a significant impact on RNA splicing, which may result in the loss of PCSK9 function and have protective effect against familial hypercholesterolemia. To our knowledge, functional studies have not been reported for this variant. This variant has been reported in seven healthy individuals aged 70 years or older without a history of coronary heart disease (PMID: 34135346). This variant has been identified in 11/282324 chromosomes in the general population by the Genome Aggregation Database (gnomAD). The available evidence is insufficient to determine the role of this variant in disease conclusively. Therefore, this variant is classified as a Variant of Uncertain Significance.

Fulgent Genetics
Classification: Uncertain significance for Hypercholesterolemia, autosomal dominant, 3. Last evaluated: 2021-09-04. Review status: criteria provided, single submitter. Criteria: ACMG Guidelines, 2015. Collection method: clinical testing. Allele origin: unknown.

Literature cited by the submitters: PubMed 34135346 (cited by Color Diagnostics, LLC DBA Color Health).